The following is an entry in ClinVar:

ClinVar aggregate classification (germline): Likely benign (1 of 4 stars; one submission).

Allele frequency attached by ClinVar (database versions not stated): gnomAD exomes below 0.00001.
gnomAD v4.1: 1 of 1,203,742 alleles (0.000083%); highest among the groups gnomAD compares: Non-Finnish European, 0.00011%; no homozygotes.

Submission:

CeGaT Center for Human Genetics Tuebingen
Classification: Likely benign. Last evaluated: 2023-03-01. Review status: criteria provided, single submitter. Criteria: CeGaT Center For Human Genetics Tuebingen Variant Classification Criteria Version 2. Collection method: clinical testing. Allele origin: germline. Affected: yes. Observed: 1 variant allele.
Comment: IL1RAPL1: PM2:Supporting, BP4, BP7

NM_014271.4(IL1RAPL1):c.705C>T (p.Ala235=)

Gene: IL1RAPL1 (interleukin 1 receptor accessory protein like 1; plus strand). Cytogenetic location: Xp21.2.
Variant type: single nucleotide variant.
Coding change: c.705C>T on transcript NM_014271.4 (MANE Select); coding-DNA position 705, C replaced by T.
Protein change: p.Ala235=; no amino-acid change (alanine 235 retained).
Molecular consequence: synonymous variant.
Genome position (GRCh38, 1-based): chrX:29,668,431, C>T. VCF-style: chrX-29668431-C-T. GRCh37 (hg19) VCF-style: chrX-29686548-C-T.
Identifiers: ClinVar variation 2660221 (VCV002660221.24), dbSNP rs2519309479, ClinGen allele CA515840379.
Genomic context (GRCh38, chrX:29,668,431, plus strand): 5'-TTTTAGTTTTATGCAGCATAACTATAAGTCTCTGTATTATTATTGTTGTTGTTTTTCAGC[C>T]CCTCTGACTGATAAGCCACCCAAGCTTTTGTATCCTATGGAAAGTAAACTGACAATTCAG-3'
Protein context (NP_055086.1, residues 225-245): VRRTTELTVT[Ala235=]PLTDKPPKLL